The following is an entry in ClinVar:

ClinVar aggregate classification (germline): Pathogenic/Likely pathogenic. Review status: criteria provided, multiple submitters, no conflicts (2 of 4 stars). 17 submissions from 17 submitters: Pathogenic (14); Likely pathogenic (1). 2 of the submissions do not count toward it. Last evaluated 2026-01-15.

Conditions:
SPG7-related disorder. Also called: SPG7-related condition.
Hereditary ataxia. Also called: Hereditary Ataxias. Identifiers: Orphanet 183518, MedGen C0004138, MONDO:0100309, MONDO:0000557.
Inborn genetic diseases. Identifiers: MedGen C0950123, MeSH D030342.
Hereditary spastic paraplegia. Also called: Familial spastic paraparesis. Identifiers: Orphanet 685, MedGen C0037773, MONDO:0019064. Disease mechanism: loss of function.
Mitochondrial disease. Also called: Mitochondrial disorders; Mitochondrial disorder. Identifiers: Orphanet 68380, MedGen C0751651, MeSH D028361, MONDO:0044970.
Hereditary spastic paraplegia 7 (SPG7). Also called: Autosomal recessive spastic paraplegia type 7; SPASTIC PARAPLEGIA 7, AUTOSOMAL RECESSIVE, WITH OR WITHOUT CEREBELLAR ATAXIA; SPG7-related neurologic disorder; Spastic paraplegia 7; Hereditary spastic paraplegia Paraplegin type. Identifiers: Orphanet 99013, MedGen C1846564, MONDO:0011803, OMIM 607259.

Allele frequency attached by ClinVar (database versions not stated): TOPMed 0.00007; ESP Exome Variant Server 0.00008; gnomAD 0.00009 and 0.00010; ExAC 0.00014; gnomAD exomes 0.00014 and 0.00016.
gnomAD v4.1: 239 of 1,612,374 alleles (0.015%); highest among the groups gnomAD compares: Non-Finnish European, 0.02%; no homozygotes.

Submissions (17):

Labcorp Genetics (formerly Invitae), Labcorp
Classification: Pathogenic for Hereditary spastic paraplegia 7. Last evaluated: 2026-01-15. Review status: criteria provided, single submitter. Criteria: Invitae Variant Classification Sherloc (09022015). Collection method: clinical testing. Allele origin: germline.
Comment: This sequence change creates a premature translational stop signal (p.Lys558*) in the SPG7 gene. It is expected to result in an absent or disrupted protein product. Loss-of-function variants in SPG7 are known to be pathogenic (PMID: 21623769, 22964162). This variant is present in population databases (rs369227537, gnomAD 0.03%). This premature translational stop signal has been observed in individual(s) with hereditary spastic paraplegia (PMID: 22964162, 24727571, 26756429). ClinVar contains an entry for this variant (Variation ID: 188276). For these reasons, this variant has been classified as Pathogenic.

GeneDx
Classification: Pathogenic. Last evaluated: 2025-12-23. Review status: criteria provided, single submitter. Criteria: GeneDx Variant Classification Process June 2021. Collection method: clinical testing. Allele origin: germline. Affected: yes.
Comment: Nonsense variant predicted to result in protein truncation or nonsense mediated decay in a gene for which loss of function is a known mechanism of disease; This variant is associated with the following publications: (PMID: 27858775, 24727571, 26756429, 22964162, 31589614, 37121968, 28362824, 34983064, 29057857)

PreventionGenetics, part of Exact Sciences
Classification: Pathogenic for SPG7-related condition. Last evaluated: 2025-06-05. Review status: criteria provided, single submitter. Criteria: ACMG Guidelines, 2015. Collection method: clinical testing. Allele origin: germline.
Comment: The SPG7 c.1672A>T variant is predicted to result in premature protein termination (p.Lys558*). This variant, in trans with another SPG7 variant, has been reported to be causative for autosomal recessive spastic paraplegia (c.1454_1462del, p.Arg485_Glu487del in van Gassen et al. 2012. PubMed ID: 22964162; c.1529c>T, p.Ala510Val in Bhattacharjee et al. 2017. PubMed ID: 29057857). This variant is reported in 0.028% of alleles in individuals of European (Non-Finnish) descent in gnomAD. Nonsense variants in SPG7 are expected to be pathogenic. This variant is interpreted as pathogenic.

CeGaT Center for Human Genetics Tuebingen
Classification: Pathogenic. Last evaluated: 2025-03-01. Review status: criteria provided, single submitter. Criteria: CeGaT Center For Human Genetics Tuebingen Variant Classification Criteria Version 2. Collection method: clinical testing. Allele origin: germline. Affected: yes. Observed: 1 variant allele.
Comment: SPG7: PVS1, PM3:Strong, PM2

Fulgent Genetics
Classification: Pathogenic for Hereditary spastic paraplegia 7. Last evaluated: 2024-06-13. Review status: criteria provided, single submitter. Criteria: ACMG Guidelines, 2015. Collection method: clinical testing. Allele origin: germline.

Blueprint Genetics
Classification: Pathogenic for SPG7-related disorders. Last evaluated: 2024-02-07. Review status: criteria provided, single submitter. Criteria: ACMG Guidelines, 2015. Collection method: clinical testing. Allele origin: germline. Affected: yes. Observed: 5 variant alleles.

Victorian Clinical Genetics Services, Murdoch Childrens Research Institute
Classification: Pathogenic for Hereditary spastic paraplegia 7. Last evaluated: 2023-07-17. Review status: criteria provided, single submitter. Criteria: ACMG Guidelines, 2015. Collection method: clinical testing. Allele origin: germline. Inheritance: Autosomal recessive inheritance. Affected: yes.
Comment: Based on the classification scheme VCGS_Germline_v1.3.4, this variant is classified as Pathogenic. Following criteria are met: 0102 - Loss of function is a known mechanism of disease in this gene and is associated with spastic paraplegia 7 (MIM#607259) and optical atrophy (MONDO:0003608). (I) 0108 - This gene is associated with both recessive and dominant disease. This gene is associated with autosomal recessive spastic paraplegia 7 and autosomal dominant optical atrophy (PMIDs: 31854126, 32548275). (I) 0201 - Variant is predicted to cause nonsense-mediated decay (NMD) and loss of protein (premature termination codon is located at least 54 nucleotides upstream of the final exon-exon junction). (SP) 0251 - This variant is heterozygous. (I) 0304 - Variant is present in gnomAD (v2) <0.01 (37 heterozygotes, 0 homozygotes). (SP) 0701 - Other NMD-predicted variants comparable to the one identified in this case have very strong previous evidence for pathogenicity (DECIPHER). (SP) 0801 - This variant has strong previous evidence of pathogenicity in unrelated individuals. This variant has been reported many times as pathogenic, and observed in compound heterozygous and homozygous individuals with spastic paraplegia. Some of these individuals also had ataxia (ClinVar, PMID: 22964162). (SP) 1208 - Inheritance information for this variant is not currently available in this individual. (I) Legend: (SP) - Supporting pathogenic, (I) - Information, (SB) - Supporting benign

Athena Diagnostics
Classification: Pathogenic. Last evaluated: 2022-10-29. Review status: criteria provided, single submitter. Criteria: Athena Diagnostics Criteria. Collection method: clinical testing. Allele origin: unknown.
Comment: This variant is expected to result in the loss of a functional protein. The frequency of this variant in the general population is consistent with pathogenicity. In multiple individuals, this variant has been seen with a single recessive pathogenic variant in the same gene, suggesting this variant may also be pathogenic.

Ambry Genetics
Classification: Pathogenic for Inborn genetic diseases. Last evaluated: 2022-08-17. Review status: criteria provided, single submitter. Criteria: Ambry Variant Classification Scheme 2023. Collection method: clinical testing. Allele origin: germline.
Comment: The c.1672A>T (p.K558*) alteration, located in exon 13 (coding exon 13) of the SPG7 gene, consists of a A to T substitution at nucleotide position 1672. This changes the amino acid from a lysine (K) to a stop codon at amino acid position 558. This alteration is expected to result in loss of function by premature protein truncation or nonsense-mediated mRNA decay. This alteration has been reported in the homozygous and compound heterozygous states in multiple individuals with features of SPG7-related spastic paraplegia (Iqbal, 2017; Pfeffer, 2014; Rydning, 2016; Taylor, 2019; van Gassen, 2012). Based on the available evidence, this alteration is classified as pathogenic.

Clinical Genetics Laboratory, Skane University Hospital Lund
Classification: Pathogenic. Last evaluated: 2022-05-27. Review status: criteria provided, single submitter. Criteria: ACMG Guidelines, 2015. Collection method: clinical testing. Allele origin: germline. Affected: yes.

PROSPAX: an integrated multimodal progression  chart in spastic ataxias, Center for Neurology; Hertie-Institute for Clinical Brain Research
Classification: Pathogenic for Hereditary spastic paraplegia 7. Last evaluated: 2022-01-01. Review status: criteria provided, single submitter. Criteria: ACMG Guidelines, 2015. Collection method: research. Allele origin: germline. Affected: yes. Observed: 9 variant alleles, 9 compound heterozygotes.

Institute of Medical Genetics and Applied Genomics, University Hospital Tübingen
Classification: Pathogenic. Last evaluated: 2020-10-23. Review status: criteria provided, single submitter. Criteria: ACMG Guidelines, 2015. Collection method: clinical testing. Allele origin: germline. Inheritance: Unknown mechanism. Affected: yes.

Cambridge Genomics Laboratory, East Genomic Laboratory Hub, NHS Genomic Medicine Service
Classification: Likely pathogenic for Hereditary ataxia. Last evaluated: 2019-04-17. Review status: criteria provided, single submitter. Criteria: ACGS Best Practice Guidelines for Variant Classification in Rare Disease 2020. Collection method: clinical testing. Allele origin: germline. Affected: yes. Observed: 1 variant allele.

Genome Diagnostics Laboratory, The Hospital for Sick Children
Classification: Pathogenic for Hereditary spastic paraplegia. Last evaluated: 2016-12-12. Review status: criteria provided, single submitter. Criteria: ACMG Guidelines, 2015. Collection method: clinical testing. Allele origin: germline. Affected: yes.

Paris Brain Institute, Inserm - ICM
Classification: Pathogenic for Hereditary spastic paraplegia 7. Review status: criteria provided, single submitter. Criteria: ACMG Guidelines, 2015. Collection method: clinical testing. Allele origin: unknown. Affected: yes. Observed: 3 variant alleles.

Oxford Medical Genetics Laboratories, Oxford University Hospitals NHS Foundation Trust
Classification: Pathogenic for Hereditary spastic paraplegia 7. Last evaluated: 2019-05-03. Review status: no assertion criteria provided. Collection method: clinical testing. Allele origin: paternal. Affected: yes. Not counted in ClinVar's aggregate classification.

Mitochondrial Research Group, Newcastle University
Classification: Pathogenic for Mitochondrial disease. Last evaluated: 2017-04-07. Review status: no assertion criteria provided. Collection method: clinical testing. Allele origin: germline. Affected: yes. Observed: 1 variant allele. Not counted in ClinVar's aggregate classification.

Literature cited by the submitters: PubMed 21623769 (cited by Labcorp Genetics (formerly Invitae), Labcorp); PubMed 22964162 (cited by 4 submitters); PubMed 24727571 (cited by 3 submitters); PubMed 26756429 (cited by 3 submitters); PubMed 31854126 (cited by Victorian Clinical Genetics Services, Murdoch Childrens Research Institute); PubMed 32548275 (cited by Victorian Clinical Genetics Services, Murdoch Childrens Research Institute); PubMed 28362824 (cited by Athena Diagnostics and Ambry Genetics); PubMed 30533525 (cited by Athena Diagnostics); PubMed 31345272 (cited by Athena Diagnostics and Ambry Genetics); PubMed 29057857 (cited by Athena Diagnostics); PubMed 27217339 (cited by Athena Diagnostics); PubMed 28812649 (cited by Mitochondrial Research Group, Newcastle University).

NM_003119.4(SPG7):c.1672A>T (p.Lys558Ter)

Gene: SPG7 (SPG7 matrix AAA peptidase subunit, paraplegin; plus strand). Cytogenetic location: 16q24.3.
Variant type: single nucleotide variant.
Coding change: c.1672A>T on transcript NM_003119.4 (MANE Select); coding-DNA position 1672, A replaced by T.
Protein change: p.Lys558Ter; replaces lysine 558 with a stop codon.
Molecular consequence: nonsense.
Genome position (GRCh38, 1-based): chr16:89,550,502, A>T. VCF-style: chr16-89550502-A-T. GRCh37 (hg19) VCF-style: chr16-89616910-A-T.
Other names: c.1672A>T, p.Lys558Ter (NM_001363850.1); short protein forms K558*.
Identifiers: ClinVar variation 188276 (VCV000188276.45), dbSNP rs369227537, ClinGen allele CA334497.